The following is an entry in ClinVar:

NM_152424.4(AMER1):c.2641C>G (p.Arg881Gly)

Gene: AMER1 (APC membrane recruitment protein 1; minus strand). Cytogenetic location: Xq11.2.
Variant type: single nucleotide variant.
Coding change: c.2641C>G on transcript NM_152424.4 (MANE Select); coding-DNA position 2641, C replaced by G.
Protein change: p.Arg881Gly; replaces arginine 881 with glycine.
Molecular consequence: missense variant.
Genome position (GRCh38, 1-based): chrX:64,190,646, G>C on the plus strand (C>G on the coding strand, the complement: AMER1 is on the minus strand). VCF-style: chrX-64190646-G-C. GRCh37 (hg19) VCF-style: chrX-63410526-G-C.
Other names: short protein forms R881G.
Identifiers: ClinVar variation 2708039 (VCV002708039.3), dbSNP rs750449400, ClinGen allele CA413302505.

ClinVar aggregate classification (germline): Uncertain significance (1 of 4 stars; one submission).

Submission:

Labcorp Genetics (formerly Invitae), Labcorp
Classification: Uncertain significance. Last evaluated: 2024-01-07. Review status: criteria provided, single submitter. Criteria: Invitae Variant Classification Sherloc (09022015). Collection method: clinical testing. Allele origin: germline.
Comment: This sequence change replaces arginine, which is basic and polar, with glycine, which is neutral and non-polar, at codon 881 of the AMER1 protein (p.Arg881Gly). This variant is not present in population databases (gnomAD no frequency). This variant has not been reported in the literature in individuals affected with AMER1-related conditions. An algorithm developed to predict the effect of missense changes on protein structure and function (PolyPhen-2) suggests that this variant is likely to be disruptive. In summary, the available evidence is currently insufficient to determine the role of this variant in disease. Therefore, it has been classified as a Variant of Uncertain Significance.